The following is an entry in ClinVar:

NM_201596.3(CACNB2):c.1017C>T (p.His339=)

Gene: CACNB2 (calcium voltage-gated channel auxiliary subunit beta 2; plus strand). Cytogenetic location: 10p12.31.
Variant type: single nucleotide variant.
Coding change: c.1017C>T on transcript NM_201596.3 (MANE Select); coding-DNA position 1017, C replaced by T.
Protein change: p.His339=; no amino-acid change (histidine 339 retained).
Molecular consequence: synonymous variant.
Genome position (GRCh38, 1-based): chr10:18,527,660, C>T. VCF-style: chr10-18527660-C-T. GRCh37 (hg19) VCF-style: chr10-18816589-C-T.
Other names: c.852C>T, p.His284= (NM_000724.4); c.819C>T, p.His273= (NM_001167945.2); c.738C>T, p.His246= (NM_001330060.2); c.873C>T, p.His291= (NM_201570.3); c.933C>T, p.His311= (NM_201571.4); c.861C>T, p.His287= (NM_201572.4); c.855C>T, p.His285= (NM_201590.3); c.903C>T, p.His301= (NM_201593.3); and 1 more.
Identifiers: ClinVar variation 537379 (VCV000537379.11), dbSNP rs747015946, ClinGen allele CA5429871.

ClinVar aggregate classification (germline): Likely benign. Review status: criteria provided, multiple submitters, no conflicts (2 of 4 stars). 3 submissions from 3 submitters: Likely benign (3). Last evaluated 2025-11-10.

Conditions:
Cardiovascular phenotype. Identifiers: MedGen CN230736.
Brugada syndrome 4 (BRGDA4). Identifiers: Orphanet 130, MedGen C2678477, MONDO:0012743, OMIM 611876.
CACNB2-related disorder. Also called: CACNB2-related condition.

Allele frequency attached by ClinVar (database versions not stated): TOPMed 0.00003; ExAC 0.00004; gnomAD exomes 0.00004; gnomAD 0.00005.
gnomAD v4.1: 67 of 1,613,572 alleles (0.0042%); highest among the groups gnomAD compares: South Asian, 0.0066%; no homozygotes.

Submissions (3):

PreventionGenetics, part of Exact Sciences
Classification: Likely benign for CACNB2-related condition. Last evaluated: 2025-11-10. Review status: criteria provided, single submitter. Criteria: ACMG Guidelines, 2015. Collection method: clinical testing. Allele origin: germline.
Comment: This variant is classified as likely benign based on ACMG/AMP sequence variant interpretation guidelines (Richards et al. 2015 PMID: 25741868, with internal and published modifications).

Labcorp Genetics (formerly Invitae), Labcorp
Classification: Likely benign for Brugada syndrome 4. Last evaluated: 2025-10-01. Review status: criteria provided, single submitter. Criteria: Invitae Variant Classification Sherloc (09022015). Collection method: clinical testing. Allele origin: germline.

Ambry Genetics
Classification: Likely benign for Cardiovascular phenotype. Last evaluated: 2022-06-01. Review status: criteria provided, single submitter. Criteria: Ambry Variant Classification Scheme 2023. Collection method: clinical testing. Allele origin: germline.